The following is an entry in ClinVar:

ClinVar aggregate classification (germline): Uncertain significance. Review status: criteria provided, multiple submitters, no conflicts (2 of 4 stars). 2 submissions from 2 submitters: Uncertain significance (2). Last evaluated 2024-10-15.

Conditions:
Dilated cardiomyopathy 1W (CMD1W). Identifiers: Orphanet 154, MedGen C1969639, MONDO:0012667, OMIM 611407.
Cardiovascular phenotype. Identifiers: MedGen CN230736.

Allele frequency attached by ClinVar (database versions not stated): gnomAD exomes below 0.00001; TOPMed below 0.00001; gnomAD 0.00002.
gnomAD v4.1: 4 of 1,614,090 alleles (0.00025%); highest among the groups gnomAD compares: African/African-American, 0.0053%; no homozygotes.

Submissions (2):

Labcorp Genetics (formerly Invitae), Labcorp
Classification: Uncertain significance for Dilated cardiomyopathy 1W. Last evaluated: 2024-10-15. Review status: criteria provided, single submitter. Criteria: Invitae Variant Classification Sherloc (09022015). Collection method: clinical testing. Allele origin: germline.
Comment: This sequence change replaces aspartic acid, which is acidic and polar, with glycine, which is neutral and non-polar, at codon 735 of the VCL protein (p.Asp735Gly). This variant is present in population databases (no rsID available, gnomAD 0.01%). This variant has not been reported in the literature in individuals affected with VCL-related conditions. ClinVar contains an entry for this variant (Variation ID: 1011155). An algorithm developed to predict the effect of missense changes on protein structure and function (PolyPhen-2) suggests that this variant is likely to be disruptive. In summary, the available evidence is currently insufficient to determine the role of this variant in disease. Therefore, it has been classified as a Variant of Uncertain Significance.

Ambry Genetics
Classification: Uncertain significance for Cardiovascular phenotype. Last evaluated: 2023-12-10. Review status: criteria provided, single submitter. Criteria: Ambry Variant Classification Scheme 2023. Collection method: clinical testing. Allele origin: germline.
Comment: The p.D735G variant (also known as c.2204A>G), located in coding exon 16 of the VCL gene, results from an A to G substitution at nucleotide position 2204. The aspartic acid at codon 735 is replaced by glycine, an amino acid with similar properties. This amino acid position is well conserved in available vertebrate species. In addition, the in silico prediction for this alteration is inconclusive. Since supporting evidence is limited at this time, the clinical significance of this alteration remains unclear.

NM_014000.3(VCL):c.2204A>G (p.Asp735Gly)

Gene: VCL (vinculin; plus strand). Cytogenetic location: 10q22.2.
Variant type: single nucleotide variant.
Coding change: c.2204A>G on transcript NM_014000.3 (MANE Select); coding-DNA position 2204, A replaced by G.
Protein change: p.Asp735Gly; replaces aspartic acid 735 with glycine.
Molecular consequence: missense variant.
Genome position (GRCh38, 1-based): chr10:74,105,123, A>G. VCF-style: chr10-74105123-A-G. GRCh37 (hg19) VCF-style: chr10-75864881-A-G.
Other names: c.2204A>G, p.Asp735Gly (NM_003373.4); short protein forms D735G.
Identifiers: ClinVar variation 1011155 (VCV001011155.9), dbSNP rs1426976613, ClinGen allele CA377262068.